The following is an entry in ClinVar:

NM_006208.3(ENPP1):c.11A>G (p.Asp4Gly)

Gene: ENPP1 (ectonucleotide pyrophosphatase/phosphodiesterase 1; plus strand). Cytogenetic location: 6q23.2.
Variant type: single nucleotide variant.
Coding change: c.11A>G on transcript NM_006208.3 (MANE Select); coding-DNA position 11, A replaced by G.
Protein change: p.Asp4Gly; replaces aspartic acid 4 with glycine.
Molecular consequence: missense variant.
Genome position (GRCh38, 1-based): chr6:131,808,046, A>G. VCF-style: chr6-131808046-A-G. GRCh37 (hg19) VCF-style: chr6-132129186-A-G.
Other names: short protein forms D4G.
Identifiers: ClinVar variation 4775769 (VCV004775769.1).

ClinVar aggregate classification (germline): Uncertain significance (1 of 4 stars; one submission).

Submission:

Labcorp Genetics (formerly Invitae), Labcorp
Classification: Uncertain significance. Last evaluated: 2025-02-27. Review status: criteria provided, single submitter. Criteria: Invitae Variant Classification Sherloc (09022015). Collection method: clinical testing. Allele origin: germline.
Comment: This sequence change replaces aspartic acid, which is acidic and polar, with glycine, which is neutral and non-polar, at codon 4 of the ENPP1 protein (p.Asp4Gly). The frequency data for this variant in the population databases is considered unreliable, as metrics indicate insufficient coverage at this position in the gnomAD database. This variant has not been reported in the literature in individuals affected with ENPP1-related conditions. Experimental studies and prediction algorithms are not available or were not evaluated, and the functional significance of this variant is currently unknown. In summary, the available evidence is currently insufficient to determine the role of this variant in disease. Therefore, it has been classified as a Variant of Uncertain Significance.